The following is an entry in ClinVar:

NM_001386140.1(MTTP):c.863C>A (p.Pro288His)

Gene: MTTP (microsomal triglyceride transfer protein; plus strand). Cytogenetic location: 4q23.
Variant type: single nucleotide variant.
Coding change: c.863C>A on transcript NM_001386140.1 (MANE Select); coding-DNA position 863, C replaced by A.
Protein change: p.Pro288His; replaces proline 288 with histidine.
Molecular consequence: missense variant.
Genome position (GRCh38, 1-based): chr4:99,594,837, C>A. VCF-style: chr4-99594837-C-A. GRCh37 (hg19) VCF-style: chr4-100515994-C-A.
Other names: c.863C>A, p.Pro288His (NM_000253.4); c.614C>A, p.Pro205His (NM_001300785.2); short protein forms P205H, P288H.
Identifiers: ClinVar variation 1380622 (VCV001380622.4), dbSNP rs1022457887, ClinGen allele CA102627298.
Genomic context (GRCh38, chr4:99,594,837, plus strand): 5'-TGTCTGGAAAGCAGGCTGCAGCCATAATCAAAGCAGTTGATTCAAAGTACACGGCCATTC[C>A]CATTGTGGGGCAGGTCTTCCAGAGCCACTGTAAAGGATGTCCTTCTGTAAGTGCAGACAA-3'
Protein context (NP_001373069.1, residues 278-298): KAVDSKYTAI[Pro288His]IVGQVFQSHC

ClinVar aggregate classification (germline): Uncertain significance. Review status: criteria provided, multiple submitters, no conflicts (2 of 4 stars). 2 submissions from 2 submitters: Uncertain significance (2). Last evaluated 2022-08-23.

Conditions:
Abetalipoproteinaemia (ABL). Also called: MTP DEFICIENCY; Abetalipoproteinemia; Abetalipoproteinemia neuropathy; Apolipoprotein B deficiency; Congenital betalipoprotein deficiency syndrome. Identifiers: Orphanet 14, MedGen C0000744, MONDO:0008692, OMIM 200100, HP:0008181.
Metabolic syndrome X (AOMS1). Also called: Abdominal obesity-metabolic syndrome 1. Identifiers: MedGen C4552048, MONDO:0011565, OMIM 605552.

Allele frequency attached by ClinVar (database versions not stated): TOPMed below 0.00001; gnomAD exomes 0.00001.
gnomAD v4.1: 3 of 1,614,002 alleles (0.00019%); highest among the groups gnomAD compares: Admixed American, 0.005%; no homozygotes.

Submissions (2):

Labcorp Genetics (formerly Invitae), Labcorp
Classification: Uncertain significance. Last evaluated: 2022-08-23. Review status: criteria provided, single submitter. Criteria: Invitae Variant Classification Sherloc (09022015). Collection method: clinical testing. Allele origin: germline.
Comment: This sequence change replaces proline, which is neutral and non-polar, with histidine, which is basic and polar, at codon 288 of the MTTP protein (p.Pro288His). This variant is present in population databases (no rsID available, gnomAD 0.009%). This variant has not been reported in the literature in individuals affected with MTTP-related conditions. ClinVar contains an entry for this variant (Variation ID: 1380622). Algorithms developed to predict the effect of missense changes on protein structure and function are either unavailable or do not agree on the potential impact of this missense change (SIFT: "Tolerated"; PolyPhen-2: "Possibly Damaging"; Align-GVGD: "Class C0"). In summary, the available evidence is currently insufficient to determine the role of this variant in disease. Therefore, it has been classified as a Variant of Uncertain Significance.

Fulgent Genetics
Classification: Uncertain significance for Abetalipoproteinaemia; Metabolic syndrome X. Last evaluated: 2022-04-22. Review status: criteria provided, single submitter. Criteria: ACMG Guidelines, 2015. Collection method: clinical testing. Allele origin: unknown.